The following is an entry in ClinVar:

ClinVar aggregate classification (germline): Likely pathogenic (1 of 4 stars; one submission).

Conditions:
Nemaline myopathy 2 (NEM2). Also called: Nemaline myopathy 2, autosomal recessive. Identifiers: MedGen C1850569, MONDO:0009725, OMIM 256030.

Submission:

Myriad Genetics, Inc.
Classification: Likely pathogenic for Nemaline myopathy 2. Last evaluated: 2022-02-20. Review status: criteria provided, single submitter. Criteria: Myriad Women's Health Autosomal Recessive and X-Linked Classification Criteria (2021). Collection method: clinical testing. Allele origin: unknown.
Comment: NM_001271208.1(NEB):c.6476_6477ins5(M2159Ifs*60) is expected to be pathogenic in the context of NEB-related nemaline myopathy. This variant is predicted to lead to an abnormal or absent protein product due to the creation of a premature termination codon in NEB, a gene where loss-of-function variants are known to be pathogenic. Please note: this variant was assessed in the context of healthy population screening.

NM_001164508.2(NEB):c.6476_6477insTTATG (p.Met2159fs)

Gene: NEB (nebulin; minus strand). Cytogenetic location: 2q23.3.
Variant type: Insertion.
Coding change: c.6476_6477insTTATG on transcript NM_001164508.2 (MANE Select); coding-DNA positions 6476 to 6477, TTATG inserted.
Protein change: p.Met2159fs; shifts the reading frame from methionine 2159.
Molecular consequence: frameshift variant.
Genome position: GRCh38 VCF-style: chr2-151656171-C-CCATAA. GRCh37 (hg19) VCF-style: chr2-152512685-C-CCATAA.
Other names: c.6476_6477insTTATG, p.Met2159fs (NM_001164507.2, NM_001271208.2, NM_004543.5); short protein forms M2159fs.
Identifiers: ClinVar variation 1724592 (VCV001724592.2), dbSNP rs2552252838, ClinGen allele CA2580063999.
Genomic context (GRCh38, chr2:151,656,171, plus strand): 5'-TGCTAGGATTCCAACCATCACCCAAGTAGAAGAAAGCCTTACATCACTCTGTATGCGATT[C>CCATAA]ATATTCCTGGTCAGCTCAATGTTCATTGCATCTGGAAGGAGGATGTACTTGTGAATCAGG-3'